The following is an entry in ClinVar:

ClinVar aggregate classification (germline): Uncertain significance (1 of 4 stars; one submission).

Conditions:
Inborn genetic diseases. Identifiers: MedGen C0950123, MeSH D030342.

Submission:

Ambry Genetics
Classification: Uncertain significance for Inborn genetic diseases. Last evaluated: 2026-05-16. Review status: criteria provided, single submitter. Criteria: Ambry Variant Classification Scheme 2023. Collection method: clinical testing. Allele origin: germline.
Comment: The p.T401A variant (also known as c.1201A>G), located in coding exon 12 of the ASXL1 gene, results from an A to G substitution at nucleotide position 1201. The threonine at codon 401 is replaced by alanine, an amino acid with similar properties. This amino acid position is conserved. In addition, this alteration is predicted to be tolerated by in silico analysis. Based on the available evidence, the clinical significance of this variant remains unclear.

NM_015338.6(ASXL1):c.1201A>G (p.Thr401Ala)

Gene: ASXL1 (ASXL transcriptional regulator 1; plus strand). Cytogenetic location: 20q11.21.
Variant type: single nucleotide variant.
Coding change: c.1201A>G on transcript NM_015338.6 (MANE Select); coding-DNA position 1201, A replaced by G.
Protein change: p.Thr401Ala; replaces threonine 401 with alanine.
Molecular consequence: missense variant.
Genome position (GRCh38, 1-based): chr20:32,433,399, A>G. VCF-style: chr20-32433399-A-G. GRCh37 (hg19) VCF-style: chr20-31021202-A-G.
Other names: c.1018A>G, p.Thr340Ala (NM_001363734.1); short protein forms T340A, T401A.
Identifiers: ClinVar variation 4864634 (VCV004864634.1).